The following is an entry in ClinVar:

NM_002047.4(GARS1):c.31G>A (p.Gly11Ser)

Gene: GARS1 (glycyl-tRNA synthetase 1; plus strand). Cytogenetic location: 7p14.3.
Variant type: single nucleotide variant.
Coding change: c.31G>A on transcript NM_002047.4 (MANE Select); coding-DNA position 31, G replaced by A.
Protein change: p.Gly11Ser; replaces glycine 11 with serine.
Molecular consequence: missense variant. On other transcripts: 5 prime UTR variant (1).
Genome position (GRCh38, 1-based): chr7:30,594,952, G>A. VCF-style: chr7-30594952-G-A. GRCh37 (hg19) VCF-style: chr7-30634568-G-A.
Other names: c.-132G>A (NM_001316772.1); short protein forms G11S.
Identifiers: ClinVar variation 1800402 (VCV001800402.2), dbSNP rs760668265, ClinGen allele CA367138420.
Genomic context (GRCh38, chr7:30,594,952, plus strand): 5'-CCTCTCTGGACAGCCCAGGGCCGCAGGCTCATGCCCTCTCCGCGTCCAGTGCTGCTTAGA[G>A]GTGCTCGCGCCGCTCTGCTGCTGCTGCTGCCGCCCCGGCTCTTAGCCCGACCCTCGCTCC-3'
Protein context (NP_002038.2, residues 1-21): MPSPRPVLLR[Gly11Ser]ARAALLLLLP

ClinVar aggregate classification (germline): Uncertain significance (1 of 4 stars; one submission).

Submission:

Ambry Genetics
Classification: Uncertain significance. Last evaluated: 2019-09-17. Review status: criteria provided, single submitter. Criteria: Ambry Variant Classification Scheme 2023. Collection method: clinical testing. Allele origin: germline.
Comment: The p.G11S variant (also known as c.31G>A), located in coding exon 1 of the GARS gene, results from a G to A substitution at nucleotide position 31. The glycine at codon 11 is replaced by serine, an amino acid with similar properties. This amino acid position is not conserved on species alignment. In addition, this alteration is predicted to be tolerated by in silico analysis. Since supporting evidence is limited at this time, the clinical significance of this alteration remains unclear.